The following is an entry in ClinVar:

NM_016120.4(RLIM):c.655C>T (p.Arg219Trp)

Gene: RLIM (ring finger protein, LIM domain interacting; minus strand). Cytogenetic location: Xq13.2.
Variant type: single nucleotide variant.
Coding change: c.655C>T on transcript NM_016120.4 (MANE Select); coding-DNA position 655, C replaced by T.
Protein change: p.Arg219Trp; replaces arginine 219 with tryptophan.
Molecular consequence: missense variant.
Genome position (GRCh38, 1-based): chrX:74,592,660, G>A on the plus strand (C>T on the coding strand, the complement: RLIM is on the minus strand). VCF-style: chrX-74592660-G-A. GRCh37 (hg19) VCF-style: chrX-73812495-G-A.
Other names: c.655C>T, p.Arg219Trp (NM_183353.3); short protein forms R219W.
Identifiers: ClinVar variation 3367469 (VCV003367469.1).

ClinVar aggregate classification (germline): Uncertain significance (1 of 4 stars; one submission).

Submission:

GeneDx
Classification: Uncertain significance. Last evaluated: 2023-12-31. Review status: criteria provided, single submitter. Criteria: GeneDx Variant Classification Process June 2021. Collection method: clinical testing. Allele origin: germline. Affected: yes.
Comment: Not observed at significant frequency in large population cohorts (gnomAD); In silico analysis supports that this missense variant has a deleterious effect on protein structure/function; Has not been previously published as pathogenic or benign to our knowledge